The following is an entry in ClinVar:

NM_000051.4(ATM):c.8030delinsGTG (p.Tyr2677fs)

Genes: ATM (ATM serine/threonine kinase; plus strand), C11orf65 (chromosome 11 open reading frame 65; minus strand). Cytogenetic location: 11q22.3.
Variant type: Indel.
Coding change: c.8030delinsGTG on transcript NM_000051.4 (MANE Select); coding-DNA position 8030, A replaced by GTG.
Protein change: p.Tyr2677fs; shifts the reading frame from tyrosine 2677.
Molecular consequence: frameshift variant. On other transcripts: intron variant (2).
Genome position (GRCh38, 1-based): chr11:108,334,988, A replaced by GTG. VCF-style: chr11-108334988-A-GTG. GRCh37 (hg19) VCF-style: chr11-108205715-A-GTG.
Other names: c.8030delAinsGTG, p.Tyr2677Cysfs (NM_000051.3); c.8030delinsGTG, p.Tyr2677fs (NM_001351834.2); c.641-25917delinsCAC (NM_001330368.2); c.*38+232delinsCAC (NM_001351110.2); short protein forms Y2677fs.
Identifiers: ClinVar variation 966653 (VCV000966653.3), dbSNP rs2086671320, ClinGen allele CA1139662188.

ClinVar aggregate classification (germline): Pathogenic (1 of 4 stars; one submission).

Conditions:
Ataxia-telangiectasia syndrome (AT). Also called: Ataxia-telangiectasia, complementation group D; AT, COMPLEMENTATION GROUP C; ATAXIA-TELANGIECTASIA, COMPLEMENTATION GROUP A; ATAXIA-TELANGIECTASIA, FRESNO VARIANT; Ataxia-telangiectasia; Ataxia telangiectasia (A-T). Identifiers: Orphanet 100, MedGen C0004135, MONDO:0008840, OMIM 208900.

Submission:

Labcorp Genetics (formerly Invitae), Labcorp
Classification: Pathogenic for Ataxia-telangiectasia syndrome. Last evaluated: 2019-08-19. Review status: criteria provided, single submitter. Criteria: Invitae Variant Classification Sherloc (09022015). Collection method: clinical testing. Allele origin: germline.
Comment: This sequence change creates a premature translational stop signal (p.Tyr2677Cysfs*6) in the ATM gene. It is expected to result in an absent or disrupted protein product. This variant is not present in population databases (ExAC no frequency). This variant has not been reported in the literature in individuals with ATM-related conditions. Loss-of-function variants in ATM are known to be pathogenic (PMID: 23807571, 25614872). For these reasons, this variant has been classified as Pathogenic.